The following is an entry in ClinVar:

ClinVar aggregate classification (germline): Uncertain significance (1 of 4 stars; one submission).

Conditions:
Cardiovascular phenotype. Identifiers: MedGen CN230736.

Allele frequency attached by ClinVar (database versions not stated): gnomAD exomes below 0.00001.
gnomAD v4.1: 2 of 1,570,762 alleles (0.00013%); highest among the groups gnomAD compares: Non-Finnish European, 0.00017%; no homozygotes.

Submission:

Ambry Genetics
Classification: Uncertain significance for Cardiovascular phenotype. Last evaluated: 2022-08-27. Review status: criteria provided, single submitter. Criteria: Ambry Variant Classification Scheme 2023. Collection method: clinical testing. Allele origin: germline.
Comment: The p.G489S variant (also known as c.1465G>A), located in coding exon 2 of the TNXB gene, results from a G to A substitution at nucleotide position 1465. The glycine at codon 489 is replaced by serine, an amino acid with similar properties. This amino acid position is conserved. In addition, this alteration is predicted to be tolerated by in silico analysis. Since supporting evidence is limited at this time, the clinical significance of this alteration remains unclear.

NM_001365276.2(TNXB):c.1465G>A (p.Gly489Ser)

Gene: TNXB (tenascin XB; minus strand). Cytogenetic location: 6p21.33.
Variant type: single nucleotide variant.
Coding change: c.1465G>A on transcript NM_001365276.2 (MANE Select); coding-DNA position 1465, G replaced by A.
Protein change: p.Gly489Ser; replaces glycine 489 with serine.
Molecular consequence: missense variant.
Genome position (GRCh38, 1-based): chr6:32,096,388, C>T on the plus strand (G>A on the coding strand, the complement: TNXB is on the minus strand). VCF-style: chr6-32096388-C-T. GRCh37 (hg19) VCF-style: chr6-32064165-C-T.
Other names: c.1465G>A, p.Gly489Ser (NM_019105.8); short protein forms G489S.
Identifiers: ClinVar variation 1773241 (VCV001773241.2), dbSNP rs2483757719, ClinGen allele CA363480980.